The following is an entry in ClinVar:

NM_012414.4(RAB3GAP2):c.3495G>A (p.Leu1165=)

Gene: RAB3GAP2 (RAB3 GTPase activating non-catalytic protein subunit 2; minus strand). Cytogenetic location: 1q41.
Variant type: single nucleotide variant.
Coding change: c.3495G>A on transcript NM_012414.4 (MANE Select); coding-DNA position 3495, G replaced by A.
Protein change: p.Leu1165=; no amino-acid change (leucine 1165 retained).
Molecular consequence: synonymous variant.
Genome position (GRCh38, 1-based): chr1:220,157,330, C>T on the plus strand (G>A on the coding strand, the complement: RAB3GAP2 is on the minus strand). VCF-style: chr1-220157330-C-T. GRCh37 (hg19) VCF-style: chr1-220330672-C-T.
Other names: p.L1165L:TTG>TTA; p.Leu1165=.
Identifiers: ClinVar variation 130080 (VCV000130080.24), dbSNP rs11547779, ClinGen allele CA154866.

ClinVar aggregate classification (germline): Benign. Review status: criteria provided, multiple submitters, no conflicts (2 of 4 stars). 9 submissions from 8 submitters: Benign (6). 3 of the submissions do not count toward it. Last evaluated 2026-02-03.

Conditions:
Martsolf syndrome (MARTS). Also called: Congenital cataract with intellectual disability and hypogonadotropic hypogonadism syndrome. Identifiers: Orphanet 1387, MedGen C0796037, MONDO:0023910.
Warburg micro syndrome 2 (WARBM2). Also called: MICRO SYNDROME 2. Identifiers: Orphanet 2510, MedGen C3280214, MONDO:0013641, OMIM 614225.

Allele frequency attached by ClinVar (database versions not stated): 1000 Genomes Project 30x 0.05840; 1000 Genomes Project 0.06050; TOPMed 0.06492; gnomAD 0.06867 and 0.07075; ESP Exome Variant Server 0.06920; gnomAD exomes 0.08656; ExAC 0.08763.
gnomAD v4.1: 150,686 of 1,613,756 alleles (9.3%); highest among the groups gnomAD compares: South Asian, 13%; 7,612 homozygotes.

Submissions (9):

Labcorp Genetics (formerly Invitae), Labcorp
Classification: Benign for Martsolf syndrome; Warburg micro syndrome 2. Last evaluated: 2026-02-03. Review status: criteria provided, single submitter. Criteria: Invitae Variant Classification Sherloc (09022015). Collection method: clinical testing. Allele origin: germline.

Mayo Clinic Laboratories, Mayo Clinic
Classification: Benign. Last evaluated: 2022-03-24. Review status: criteria provided, single submitter. Criteria: ACMG Guidelines, 2015. Collection method: clinical testing. Allele origin: germline. Observed: 50 variant alleles.

Illumina Laboratory Services, Illumina
Classification: Benign for Warburg micro syndrome 2. Last evaluated: 2018-01-12. Review status: criteria provided, single submitter. Criteria: ICSL Variant Classification Criteria 13 December 2019. Collection method: clinical testing. Allele origin: germline.
Comment: This variant was observed in the ICSL laboratory as part of a predisposition screen in an ostensibly healthy population. It had not been previously curated by ICSL or reported in the Human Gene Mutation Database (HGMD: prior to June 1st, 2018), and was therefore a candidate for classification through an automated scoring system. Utilizing variant allele frequency, disease prevalence and penetrance estimates, and inheritance mode, an automated score was calculated to assess if this variant is too frequent to cause the disease. Based on the score and internal cut-off values, a variant classified as benign is not then subjected to further curation. The score for this variant resulted in a classification of benign for this disease.

Illumina Laboratory Services, Illumina
Classification: Benign for Martsolf syndrome 1. Last evaluated: 2018-01-12. Review status: criteria provided, single submitter. Criteria: ICSL Variant Classification Criteria 13 December 2019. Collection method: clinical testing. Allele origin: germline.
Comment: the same text as in the submission from Illumina Laboratory Services, Illumina above.

GeneDx
Classification: Benign. Last evaluated: 2014-03-31. Review status: criteria provided, single submitter. Criteria: GeneDx Variant Classification (06012015). Collection method: clinical testing. Allele origin: germline. Affected: yes.
Comment: This variant is considered likely benign or benign based on one or more of the following criteria: it is a conservative change, it occurs at a poorly conserved position in the protein, it is predicted to be benign by multiple in silico algorithms, and/or has population frequency not consistent with disease.

Breakthrough Genomics
Classification: Benign. Review status: criteria provided, single submitter. Criteria: ACMG Guidelines, 2015. Collection method: not provided. Allele origin: germline. Inheritance: Autosomal recessive inheritance. Affected: yes.

Clinical Genetics DNA and cytogenetics Diagnostics Lab, Erasmus MC, Erasmus Medical Center
Classification: Benign. Review status: no assertion criteria provided. Collection method: clinical testing. Allele origin: germline. Affected: yes. Study: VKGL Data-share Consensus. Not counted in ClinVar's aggregate classification.

Genetic Services Laboratory, University of Chicago
Classification: Likely benign for AllHighlyPenetrant. Review status: no assertion criteria provided. Collection method: clinical testing. Allele origin: germline. Inheritance: Autosomal recessive inheritance. Not counted in ClinVar's aggregate classification.
Comment: Likely benign based on allele frequency in 1000 Genomes Project or ESP global frequency and its presence in a patient with a rare or unrelated disease phenotype. NOT Sanger confirmed.

Joint Genome Diagnostic Labs from Nijmegen and Maastricht, Radboudumc and MUMC+
Classification: Benign. Review status: no assertion criteria provided. Collection method: clinical testing. Allele origin: germline. Affected: yes. Study: VKGL Data-share Consensus. Not counted in ClinVar's aggregate classification.